The following is an entry in ClinVar:

ClinVar aggregate classification (germline): Likely benign (1 of 4 stars; one submission).

Submission:

CeGaT Center for Human Genetics Tuebingen
Classification: Likely benign. Last evaluated: 2024-07-01. Review status: criteria provided, single submitter. Criteria: CeGaT Center For Human Genetics Tuebingen Variant Classification Criteria Version 2. Collection method: clinical testing. Allele origin: germline. Affected: yes. Observed: 1 variant allele.
Comment: BCORL1: BS2

NM_001379451.1(BCORL1):c.5030A>G (p.Lys1677Arg)

Gene: BCORL1 (BCL6 corepressor like 1; plus strand). Cytogenetic location: Xq26.1.
Variant type: single nucleotide variant.
Coding change: c.5030A>G on transcript NM_001379451.1 (MANE Select); coding-DNA position 5030, A replaced by G.
Protein change: p.Lys1677Arg; replaces lysine 1677 with arginine.
Molecular consequence: missense variant.
Genome position (GRCh38, 1-based): chrX:130,051,971, A>G. VCF-style: chrX-130051971-A-G. GRCh37 (hg19) VCF-style: chrX-129185946-A-G.
Other names: c.5030A>G, p.Lys1677Arg (NM_001184772.3, NM_001379450.1); c.4808A>G, p.Lys1603Arg (NM_021946.5); short protein forms K1603R, K1677R.
Identifiers: ClinVar variation 3257345 (VCV003257345.17).